The following is an entry in ClinVar:

ClinVar aggregate classification (germline): Uncertain significance. Review status: criteria provided, multiple submitters, no conflicts (2 of 4 stars). 2 submissions from 2 submitters: Uncertain significance (2). Last evaluated 2025-06-17.

Conditions:
Hereditary cancer-predisposing syndrome. Also called: Neoplastic Syndromes, Hereditary; Tumor predisposition; Hereditary Cancer Syndrome; Hereditary neoplastic syndrome. Identifiers: Orphanet 140162, MedGen C0027672, MeSH D009386, MONDO:0015356.
Cardiovascular phenotype. Identifiers: MedGen CN230736.

Submissions (2):

Ambry Genetics
Classification: Uncertain significance for Cardiovascular phenotype; Hereditary cancer-predisposing syndrome. Last evaluated: 2025-06-17. Review status: criteria provided, single submitter. Criteria: Ambry Variant Classification Scheme 2023. Collection method: clinical testing. Allele origin: germline.
Comment: The p.D668A variant (also known as c.2003A>C), located in coding exon 17 of the LZTR1 gene, results from an A to C substitution at nucleotide position 2003. The aspartic acid at codon 668 is replaced by alanine, an amino acid with dissimilar properties. This amino acid position is conserved. In addition, this alteration is predicted to be deleterious by in silico analysis. Based on the available evidence, the clinical significance of this variant remains unclear.

Labcorp Genetics (formerly Invitae), Labcorp
Classification: Uncertain significance. Last evaluated: 2024-05-01. Review status: criteria provided, single submitter. Criteria: Invitae Variant Classification Sherloc (09022015). Collection method: clinical testing. Allele origin: germline.
Comment: This sequence change replaces aspartic acid, which is acidic and polar, with alanine, which is neutral and non-polar, at codon 668 of the LZTR1 protein (p.Asp668Ala). This variant is not present in population databases (gnomAD no frequency). This variant has not been reported in the literature in individuals affected with LZTR1-related conditions. ClinVar contains an entry for this variant (Variation ID: 1784275). Advanced modeling of protein sequence and biophysical properties (such as structural, functional, and spatial information, amino acid conservation, physicochemical variation, residue mobility, and thermodynamic stability) performed at Invitae indicates that this missense variant is not expected to disrupt LZTR1 protein function with a negative predictive value of 80%. In summary, the available evidence is currently insufficient to determine the role of this variant in disease. Therefore, it has been classified as a Variant of Uncertain Significance.

NM_006767.4(LZTR1):c.2003A>C (p.Asp668Ala)

Gene: LZTR1 (leucine zipper like post translational regulator 1; plus strand). Cytogenetic location: 22q11.21.
Variant type: single nucleotide variant.
Coding change: c.2003A>C on transcript NM_006767.4 (MANE Select); coding-DNA position 2003, A replaced by C.
Protein change: p.Asp668Ala; replaces aspartic acid 668 with alanine.
Molecular consequence: missense variant.
Genome position (GRCh38, 1-based): chr22:20,995,806, A>C. VCF-style: chr22-20995806-A-C. GRCh37 (hg19) VCF-style: chr22-21350095-A-C.
Other names: short protein forms D668A.
Identifiers: ClinVar variation 1784275 (VCV001784275.5), dbSNP rs2518623918, ClinGen allele CA410779043.
Genomic context (GRCh38, chr22:20,995,806, plus strand): 5'-GCACATCTCTGATCCAGGACATGAAGGCATACCTGGAGGGAGCGGGCGCGGAATTCTGTG[A>C]CATCACTCTGTTGCTTGACGGGCACCCACGGCCAGCCCACAAGGCTATCCTGGCCGCCCG-3'
Protein context (NP_006758.2, residues 658-678): YLEGAGAEFC[Asp668Ala]ITLLLDGHPR